The following is an entry in ClinVar:

ClinVar aggregate classification (germline): Likely pathogenic (1 of 4 stars; one submission).

Conditions:
KMT2D-related disorder. Also called: KMT2D-Related Disorders.

Submission:

PreventionGenetics, part of Exact Sciences
Classification: Likely pathogenic for KMT2D-related condition. Last evaluated: 2022-11-18. Review status: criteria provided, single submitter. Criteria: ACMG Guidelines, 2015. Collection method: clinical testing. Allele origin: germline.
Comment: The KMT2D c.10690C>G variant is predicted to result in the amino acid substitution p.Leu3564Val. This variant was reported to have arose de novo in an individual with atypical Kabuki syndrome (Sakata et al. 2017. PubMed ID: 29321794; Baldridge et al. 2020. PubMed ID: 32083401). This variant has not been reported in a large population database, indicating this variant is rare. This variant is interpreted as likely pathogenic.

NM_003482.4(KMT2D):c.10690C>G (p.Leu3564Val)

Gene: KMT2D (lysine methyltransferase 2D; minus strand). Cytogenetic location: 12q13.12.
Variant type: single nucleotide variant.
Coding change: c.10690C>G on transcript NM_003482.4 (MANE Select); coding-DNA position 10690, C replaced by G.
Protein change: p.Leu3564Val; replaces leucine 3564 with valine.
Molecular consequence: missense variant.
Genome position (GRCh38, 1-based): chr12:49,034,117, G>C on the plus strand (C>G on the coding strand, the complement: KMT2D is on the minus strand). VCF-style: chr12-49034117-G-C. GRCh37 (hg19) VCF-style: chr12-49427900-G-C.
Other names: short protein forms L3564V.
Identifiers: ClinVar variation 2637405 (VCV002637405.1), dbSNP rs2120452029, ClinGen allele CA384727339.